The following is an entry in ClinVar:

ClinVar aggregate classification (germline): Pathogenic (1 of 4 stars; one submission).

Conditions:
Ehlers-Danlos syndrome, dermatosparaxis type. Also called: EDS VIIC; Dermatosparaxis; Ehlers-Danlos syndrome, type VII, autosomal recessive. Identifiers: Orphanet 1901, MedGen C2700425, MONDO:0009161, OMIM 225410.

Submission:

Myriad Genetics, Inc.
Classification: Pathogenic for Ehlers-Danlos syndrome, dermatosparaxis type. Last evaluated: 2024-05-14. Review status: criteria provided, single submitter. Criteria: Myriad Autosomal Dominant, Autosomal Recessive and X-Linked Classification Criteria (2023). Collection method: clinical testing. Allele origin: unknown.
Comment: NM_014244.4(ADAMTS2):c.79_80ins19(L27Qfs*45) is expected to be pathogenic in the context of Ehlers-Danlos syndrome, ADAMTS2-related. This variant is predicted to lead to an abnormal or absent protein product due to the creation of a premature termination codon in ADAMTS2, a gene where loss-of-function variants are known to be pathogenic. Please note: this variant was assessed in the context of healthy population screening.

NM_014244.5(ADAMTS2):c.79_80insAGATGTGTATAAGAGACAG (p.Leu27fs)

Gene: ADAMTS2 (ADAM metallopeptidase with thrombospondin type 1 motif 2; minus strand). Cytogenetic location: 5q35.3.
Variant type: Insertion.
Coding change: c.79_80insAGATGTGTATAAGAGACAG on transcript NM_014244.5 (MANE Select); coding-DNA positions 79 to 80, AGATGTGTATAAGAGACAG inserted.
Protein change: p.Leu27fs; shifts the reading frame from leucine 27.
Molecular consequence: frameshift variant.
Genome position: GRCh38 VCF-style: chr5-179345249-A-ACTGTCTCTTATACACATCT. GRCh37 (hg19) VCF-style: chr5-178772250-A-ACTGTCTCTTATACACATCT.
Other names: c.79_80insAGATGTGTATAAGAGACAG, p.Leu27fs (NM_021599.4); short protein forms L27fs.
Identifiers: ClinVar variation 5010419 (VCV005010419.1).